The following is an entry in ClinVar:

ClinVar aggregate classification (germline): Uncertain significance. Review status: criteria provided, multiple submitters, no conflicts (2 of 4 stars). 2 submissions from 2 submitters: Uncertain significance (2). Last evaluated 2025-05-05.

Conditions:
Hearing impairment. Also called: Impaired Hearing. Identifiers: MedGen C1384666, MONDO:0005365, HP:0000365.
SEMA3F-related disorder. Also called: SEMA3F-related condition.

Allele frequency attached by ClinVar (database versions not stated): gnomAD exomes 0.00001; TOPMed 0.00002; gnomAD 0.00003 and 0.00004.
gnomAD v4.1: 13 of 1,607,192 alleles (0.00081%); highest among the groups gnomAD compares: African/African-American, 0.0027%; 1 homozygote.

Submissions (2):

PreventionGenetics, part of Exact Sciences
Classification: Uncertain significance for SEMA3F-related condition. Last evaluated: 2025-05-05. Review status: criteria provided, single submitter. Criteria: ACMG Guidelines, 2015. Collection method: clinical testing. Allele origin: germline.
Comment: The SEMA3F c.1849G>A variant is predicted to result in the amino acid substitution p.Val617Met. To our knowledge, this variant has not been reported in the literature. This variant is reported in 0.012% of alleles in individuals of African descent in gnomAD. At this time, the clinical significance of this variant is uncertain due to the absence of conclusive functional and genetic evidence.

Department of Otolaryngology – Head & Neck Surgery, Cochlear Implant Center
Classification: Uncertain significance for Hearing impairment. Last evaluated: 2021-04-12. Review status: criteria provided, single submitter. Criteria: ClinGen HL ACMG Specifications v1. Collection method: clinical testing. Allele origin: germline. Affected: yes.
Comment: PM2_Moderate, PP3_Supporting

NM_004186.5(SEMA3F):c.1849G>A (p.Val617Met)

Gene: SEMA3F (semaphorin 3F; plus strand). Cytogenetic location: 3p21.31.
Variant type: single nucleotide variant.
Coding change: c.1849G>A on transcript NM_004186.5 (MANE Select); coding-DNA position 1849, G replaced by A.
Protein change: p.Val617Met; replaces valine 617 with methionine.
Molecular consequence: missense variant.
Genome position (GRCh38, 1-based): chr3:50,186,648, G>A. VCF-style: chr3-50186648-G-A. GRCh37 (hg19) VCF-style: chr3-50224081-G-A.
Other names: c.1552G>A, p.Val518Met (NM_001318798.2); c.1756G>A, p.Val586Met (NM_001318800.2); short protein forms V518M, V586M, V617M.
Identifiers: ClinVar variation 1064910 (VCV001064910.5), dbSNP rs1399111219, ClinGen allele CA352901009.
Genomic context (GRCh38, chr3:50,186,648, plus strand): 5'-TTGCTCAACCCCTCTCACTCTAAAGCCAACAAGAATGCCGTGGAGTCTGTGCAGTATGGC[G>A]TGGCCGGCAGCGCAGCCTTCCTTGAGTGCCAGCCCCGCTCGCCCCAAGCCACTGTTAAGT-3'
Protein context (NP_004177.3, residues 607-627): KNAVESVQYG[Val617Met]AGSAAFLECQ